The following is an entry in ClinVar:

ClinVar aggregate classification (germline): Uncertain significance (0 of 4 stars; one submission).

Conditions:
VWF-related disorder. Also called: VWF-related condition; VWF-related disorders.

Submission:

PreventionGenetics, part of Exact Sciences
Classification: Uncertain significance for VWF-related condition. Last evaluated: 2024-03-14. Review status: no assertion criteria provided. Collection method: clinical testing. Allele origin: germline.
Comment: The VWF c.6813G>C variant is predicted to result in the amino acid substitution p.Trp2271Cys. To our knowledge, this variant has not been reported in the literature or in a large population database, indicating this variant is rare. A different variant affecting this amino has been reported in a patient with von Willebrand disease (Eikenboom et al. 2013. PubMed: 23349392). Although we suspect that this variant may be pathogenic, at this time, the clinical significance of this variant is uncertain due to the absence of conclusive functional and genetic evidence.

NM_000552.5(VWF):c.6813G>C (p.Trp2271Cys)

Gene: VWF (von Willebrand factor; minus strand). Cytogenetic location: 12p13.31.
Variant type: single nucleotide variant.
Coding change: c.6813G>C on transcript NM_000552.5 (MANE Select); coding-DNA position 6813, G replaced by C.
Protein change: p.Trp2271Cys; replaces tryptophan 2271 with cysteine.
Molecular consequence: missense variant.
Genome position (GRCh38, 1-based): chr12:5,985,651, C>G on the plus strand (G>C on the coding strand, the complement: VWF is on the minus strand). VCF-style: chr12-5985651-C-G. GRCh37 (hg19) VCF-style: chr12-6094817-C-G.
Other names: short protein forms W2271C.
Identifiers: ClinVar variation 3348074 (VCV003348074.1).
Genomic context (GRCh38, chr12:5,985,651, plus strand): 5'-GCAGTTGACCTTCCGCCCGCTGAGGCATGTGCAGATCTGACAGGGCTGGTGGTCCGGGAC[C>G]CAGGCTTCCAGGAACTGAGGGCAAAGCGAGGTTCAGAAAGGGCACAGGACATTCTAGGTA-3'
Protein context (NP_000543.3, residues 2261-2281): DGVQHQFLEA[Trp2271Cys]VPDHQPCQIC